The following is an entry in ClinVar:

NM_199451.2:c.749T>C

Gene: ZNF365 (zinc finger protein 365; plus strand).
Variant type: single nucleotide variant.
Identifiers: ClinVar variation 4609514 (VCV004609514.1).

ClinVar aggregate classification (germline): Uncertain significance (1 of 4 stars; one submission).

Submission:

Ambry Genetics
Classification: Uncertain significance. Last evaluated: 2025-10-14. Review status: criteria provided, single submitter. Criteria: Ambry Variant Classification Scheme 2023. Collection method: clinical testing. Allele origin: germline.
Comment: The c.749T>C (p.V250A) alteration is located in exon 3 (coding exon 2) of the ZNF365 gene. This alteration results from a T to C substitution at nucleotide position 749, causing the valine (V) at amino acid position 250 to be replaced by an alanine (A). Based on data from gnomAD, the C allele has an overall frequency of 0.003% (8/251390) total alleles studied. The highest observed frequency was 0.023% (8/34572) of Latino alleles. Based on insufficient or conflicting evidence, the clinical significance of this alteration remains unclear.